The following is an entry in ClinVar:

NM_024675.4(PALB2):c.1621A>C (p.Arg541=)

Gene: PALB2 (partner and localizer of BRCA2; minus strand). Cytogenetic location: 16p12.2.
Variant type: single nucleotide variant.
Coding change: c.1621A>C on transcript NM_024675.4 (MANE Select); coding-DNA position 1621, A replaced by C.
Protein change: p.Arg541=; no amino-acid change (arginine 541 retained).
Molecular consequence: synonymous variant.
Genome position (GRCh38, 1-based): chr16:23,634,925, T>G on the plus strand (A>C on the coding strand, the complement: PALB2 is on the minus strand). VCF-style: chr16-23634925-T-G. GRCh37 (hg19) VCF-style: chr16-23646246-T-G.
Identifiers: ClinVar variation 784777 (VCV000784777.17), dbSNP rs1597095457, ClinGen allele CA494461352.

ClinVar aggregate classification (germline): Conflicting classifications of pathogenicity. Review status: criteria provided, conflicting classifications (1 of 4 stars). 5 submissions from 5 submitters: Uncertain significance (1); Benign (1); Likely benign (3). Last evaluated 2025-01-14.

Conditions:
Familial cancer of breast. Also called: Hereditary breast cancer; BREAST CANCER, FAMILIAL; hereditary breast carcinoma. Identifiers: Orphanet 227535, MedGen C0346153, MONDO:0016419, OMIM 114480. Disease mechanism: loss of function.
Hereditary cancer-predisposing syndrome. Also called: Tumor predisposition; Hereditary neoplastic syndrome; Hereditary Cancer Syndrome; Neoplastic Syndromes, Hereditary. Identifiers: Orphanet 140162, MedGen C0027672, MeSH D009386, MONDO:0015356.

Submissions (5):

Myriad Genetics, Inc.
Classification: Benign for Familial cancer of breast. Last evaluated: 2025-01-14. Review status: criteria provided, single submitter. Criteria: Myriad Autosomal Dominant, Autosomal Recessive and X-Linked Classification Criteria (2023). Collection method: clinical testing. Allele origin: unknown.
Comment: This variant is considered benign. This variant is a silent/synonymous amino acid change and it is not expected to impact splicing.

Labcorp Genetics (formerly Invitae), Labcorp
Classification: Likely benign for Familial cancer of breast. Last evaluated: 2024-04-24. Review status: criteria provided, single submitter. Criteria: Invitae Variant Classification Sherloc (09022015). Collection method: clinical testing. Allele origin: germline.

GeneDx
Classification: Uncertain significance. Last evaluated: 2020-09-22. Review status: criteria provided, single submitter. Criteria: GeneDx Variant Classification Process June 2021. Collection method: clinical testing. Allele origin: germline. Affected: yes.
Comment: Not observed in large population cohorts (Lek 2016); In silico analysis supports that this variant does not alter splicing; Observed in individuals with breast cancer, but also in healthy controls (Decker 2017); This variant is associated with the following publications: (PMID: 28779002)

Color Diagnostics, LLC DBA Color Health
Classification: Likely benign for Hereditary cancer-predisposing syndrome. Last evaluated: 2016-02-25. Review status: criteria provided, single submitter. Criteria: ACMG Guidelines, 2015. Collection method: clinical testing. Allele origin: germline.

Ambry Genetics
Classification: Likely benign for Hereditary cancer-predisposing syndrome. Last evaluated: 2015-11-06. Review status: criteria provided, single submitter. Criteria: Ambry Variant Classification Scheme 2023. Collection method: clinical testing. Allele origin: germline.